The following is an entry in ClinVar:

NM_000059.4(BRCA2):c.1157A>T (p.Glu386Val)

Gene: BRCA2 (BRCA2 DNA repair associated; plus strand). Cytogenetic location: 13q13.1.
Variant type: single nucleotide variant.
Coding change: c.1157A>T on transcript NM_000059.4 (MANE Select); coding-DNA position 1157, A replaced by T.
Protein change: p.Glu386Val; replaces glutamic acid 386 with valine.
Molecular consequence: missense variant.
Genome position (GRCh38, 1-based): chr13:32,332,635, A>T. VCF-style: chr13-32332635-A-T. GRCh37 (hg19) VCF-style: chr13-32906772-A-T.
Other names: short protein forms E386V.
Identifiers: ClinVar variation 1387714 (VCV001387714.7), dbSNP rs2137468194, ClinGen allele CA387761902.

ClinVar aggregate classification (germline): Conflicting classifications of pathogenicity. Review status: criteria provided, conflicting classifications (1 of 4 stars). 2 submissions from 2 submitters: Uncertain significance (1); Likely benign (1). Last evaluated 2023-03-23.

Conditions:
Hereditary cancer-predisposing syndrome. Also called: Neoplastic Syndromes, Hereditary; Tumor predisposition; Hereditary neoplastic syndrome; Hereditary Cancer Syndrome. Identifiers: Orphanet 140162, MedGen C0027672, MeSH D009386, MONDO:0015356.
Hereditary breast ovarian cancer syndrome. Also called: Hereditary breast and ovarian cancer syndrome; Hereditary breast and ovarian cancer; BRCA1- and BRCA2-Associated Hereditary Breast and Ovarian Cancer; Hereditary breast and/or ovarian cancer syndrome; Hereditary breast and ovarian cancer syndrome (HBOC); Breast and ovarian cancer. Identifiers: Orphanet 145, MedGen C0677776, MeSH D061325, MONDO:0003582. Disease mechanism: loss of function.

Submissions (2):

University of Washington Department of Laboratory Medicine, University of Washington
Classification: Likely benign for Hereditary cancer-predisposing syndrome. Last evaluated: 2023-03-23. Review status: criteria provided, single submitter. Criteria: Dines et al. (Genet Med. 2020). Collection method: curation. Allele origin: germline.
Comment: Missense variant in a coldspot region where missense variants are very unlikely to be pathogenic (PMID:31911673).

BRCA2 exon 10 coldspot. Reclassification based on statistical prior probability.

Labcorp Genetics (formerly Invitae), Labcorp
Classification: Uncertain significance for Hereditary breast ovarian cancer syndrome. Last evaluated: 2021-10-18. Review status: criteria provided, single submitter. Criteria: Invitae Variant Classification Sherloc (09022015). Collection method: clinical testing. Allele origin: germline.
Comment: This variant is not present in population databases (ExAC no frequency). This sequence change replaces glutamic acid with valine at codon 386 of the BRCA2 protein (p.Glu386Val). The glutamic acid residue is moderately conserved and there is a moderate physicochemical difference between glutamic acid and valine. This variant has not been reported in the literature in individuals affected with BRCA2-related conditions. In summary, the available evidence is currently insufficient to determine the role of this variant in disease. Therefore, it has been classified as a Variant of Uncertain Significance. Algorithms developed to predict the effect of sequence changes on RNA splicing suggest that this variant may create or strengthen a splice site. Advanced modeling of protein sequence and biophysical properties (such as structural, functional, and spatial information, amino acid conservation, physicochemical variation, residue mobility, and thermodynamic stability) performed at Invitae indicates that this missense variant is not expected to disrupt BRCA2 protein function.